The following is an entry in ClinVar:

NM_002382.5(MAX):c.172-6188A>T

Gene: MAX (MYC associated transcriptional regulator X; minus strand). Cytogenetic location: 14q23.3.
Variant type: single nucleotide variant.
Coding change: c.172-6188A>T on transcript NM_002382.5 (MANE Select); 6188 bases into the intron before coding-DNA position 172, A replaced by T.
Molecular consequence: intron variant. On other transcripts: missense variant (3), 3 prime UTR variant (1), non-coding transcript variant (4).
Genome position (GRCh38, 1-based): chr14:65,084,224, T>A on the plus strand (A>T on the coding strand, the complement: MAX is on the minus strand). VCF-style: chr14-65084224-T-A. GRCh37 (hg19) VCF-style: chr14-65550942-T-A.
Other names: c.144+9484A>T (NM_001271069.2); c.171+9484A>T (NM_197957.4); c.-196-6188A>T (NM_001407112.1, NM_001407111.1); c.-103-6188A>T (NM_001407106.1, NM_001407107.1, NM_001320415.2 and 1 more transcripts); c.145-6188A>T (NM_001407095.1, NM_001407110.1, NM_001407102.1 and 6 more transcripts); c.172-6188A>T (NM_001407094.1, NM_001407104.1, NM_001407103.1 and 3 more transcripts); c.64-6188A>T (NM_001407098.1); c.220A>T, p.Ile74Phe (NM_001271068.2, NM_001407113.1); and 2 more; short protein forms I74F, I83F.
Identifiers: ClinVar variation 5023969 (VCV005023969.1).
Genomic context (GRCh38, chr14:65,084,224, plus strand): 5'-TCAAAACAATCATTTTTTAAATCTTGCATTCTTTTTTCTTGTGCACTTGGTAGCTTGAAA[T>A]GAAGGTGTGGCATTTCTGCATCAAACTTTGACGATGAAGGACAGGAGTACACAATTTCCA-3'

ClinVar aggregate classification (germline): Uncertain significance (1 of 4 stars; one submission).

Conditions:
Hereditary cancer-predisposing syndrome. Also called: Neoplastic Syndromes, Hereditary; Tumor predisposition; Hereditary neoplastic syndrome; Hereditary Cancer Syndrome. Identifiers: Orphanet 140162, MedGen C0027672, MeSH D009386, MONDO:0015356.

Submission:

Ambry Genetics
Classification: Uncertain significance for Hereditary cancer-predisposing syndrome. Last evaluated: 2026-07-06. Review status: criteria provided, single submitter. Criteria: Ambry Variant Classification Scheme 2023. Collection method: clinical testing. Allele origin: germline.
Comment: The p.I83F variant (also known as c.247A>T), located in coding exon 4 of the MAX gene, results from an A to T substitution at nucleotide position 247. The isoleucine at codon 83 is replaced by phenylalanine, an amino acid with highly similar properties. This amino acid position is conserved. In addition, the in silico prediction for this alteration is inconclusive. Based on the available evidence, the clinical significance of this variant remains unclear.